The following is an entry in ClinVar:

NM_003482.4(KMT2D):c.16515A>T (p.Gly5505=)

Gene: KMT2D (lysine methyltransferase 2D; minus strand). Cytogenetic location: 12q13.12.
Variant type: single nucleotide variant.
Coding change: c.16515A>T on transcript NM_003482.4 (MANE Select); coding-DNA position 16515, A replaced by T.
Protein change: p.Gly5505=; no amino-acid change (glycine 5505 retained).
Molecular consequence: synonymous variant.
Genome position (GRCh38, 1-based): chr12:49,022,049, T>A on the plus strand (A>T on the coding strand, the complement: KMT2D is on the minus strand). VCF-style: chr12-49022049-T-A. GRCh37 (hg19) VCF-style: chr12-49415832-T-A.
Identifiers: ClinVar variation 2034677 (VCV002034677.4), dbSNP rs1942353373, ClinGen allele CA479520830.
Genomic context (GRCh38, chr12:49,022,049, plus strand): 5'-GGGGTGAAAGGAGGAGGAGCTGCTTTGTCACTCAGTCAGGATACTTCCTCTCACCTCCTC[T>A]CCTTTGGGGATTCGCCGGCTGGAGATGATGATGATTTTGTCCTCTTTGTCAAATGTCACG-3'
Protein context (NP_003473.3, residues 5495-5515): IIISSRRIPK[Gly5505=]EELTYDYQFD

ClinVar aggregate classification (germline): Pathogenic (1 of 4 stars; one submission).

Conditions:
Kabuki syndrome. Also called: NIIKAWA-KUROKI SYNDROME; Kabuki make-up syndrome. Identifiers: Orphanet 2322, MedGen C0796004, MONDO:0016512.

Submission:

Labcorp Genetics (formerly Invitae), Labcorp
Classification: Pathogenic for Kabuki syndrome. Last evaluated: 2022-11-25. Review status: criteria provided, single submitter. Criteria: Invitae Variant Classification Sherloc (09022015). Collection method: clinical testing. Allele origin: germline.
Comment: This variant is not present in population databases (gnomAD no frequency). This variant has been observed in individual(s) with clinical features of Kabuki syndrome (Invitae). In at least one individual the variant was observed to be de novo. Algorithms developed to predict the effect of sequence changes on RNA splicing suggest that this variant may create or strengthen a splice site. For these reasons, this variant has been classified as Pathogenic. This sequence change affects codon 5505 of the KMT2D mRNA. It is a 'silent' change, meaning that it does not change the encoded amino acid sequence of the KMT2D protein.